The following is an entry in ClinVar:

NM_003073.5(SMARCB1):c.964C>T (p.His322Tyr)

Gene: SMARCB1 (SWI/SNF related BAF chromatin remodeling complex subunit B1; plus strand). Cytogenetic location: 22q11.23.
Variant type: single nucleotide variant.
Coding change: c.964C>T on transcript NM_003073.5 (MANE Select); coding-DNA position 964, C replaced by T.
Protein change: p.His322Tyr; replaces histidine 322 with tyrosine.
Molecular consequence: missense variant.
Genome position (GRCh38, 1-based): chr22:23,825,393, C>T. VCF-style: chr22-23825393-C-T. GRCh37 (hg19) VCF-style: chr22-24167580-C-T.
Other names: c.937C>T, p.His313Tyr (NM_001007468.3); c.991C>T, p.His331Tyr (NM_001317946.2); c.1018C>T, p.His340Tyr (NM_001362877.2); short protein forms H322Y, H331Y, H313Y, H340Y.
Identifiers: ClinVar variation 2566864 (VCV002566864.2), dbSNP rs2146027166, ClinGen allele CA410908013.
Genomic context (GRCh38, chr22:23,825,393, plus strand): 5'-GGGTTGGGCGGGGAGTTTGTCACCACCATCGCATACAGCATCCGGGGACAGCTGAGCTGG[C>T]ATCAGAAGACCTACGCCTTCAGGTAGGATCATGCATGAGTCTCTCCCTCCCTCATCTCCC-3'
Protein context (NP_003064.2, residues 312-332): AYSIRGQLSW[His322Tyr]QKTYAFSENP

ClinVar aggregate classification (germline): Uncertain significance (1 of 4 stars; one submission).

Conditions:
Hereditary cancer-predisposing syndrome. Also called: Hereditary neoplastic syndrome; Hereditary Cancer Syndrome; Neoplastic Syndromes, Hereditary; Tumor predisposition. Identifiers: Orphanet 140162, MedGen C0027672, MeSH D009386, MONDO:0015356.

Allele frequency attached by ClinVar (database versions not stated): gnomAD exomes below 0.00001.

Submission:

Ambry Genetics
Classification: Uncertain significance for Hereditary cancer-predisposing syndrome. Last evaluated: 2023-04-26. Review status: criteria provided, single submitter. Criteria: Ambry Variant Classification Scheme 2023. Collection method: clinical testing. Allele origin: germline.
Comment: The p.H322Y variant (also known as c.964C>T), located in coding exon 7 of the SMARCB1 gene, results from a C to T substitution at nucleotide position 964. The histidine at codon 322 is replaced by tyrosine, an amino acid with similar properties. This amino acid position is highly conserved in available vertebrate species. In addition, this alteration is predicted to be deleterious by in silico analysis. Since supporting evidence is limited at this time, the clinical significance of this alteration remains unclear.